The following is an entry in ClinVar:

NM_003640.5(ELP1):c.1805G>A (p.Arg602Gln)

Gene: ELP1 (elongator acetyltransferase complex subunit 1; minus strand). Cytogenetic location: 9q31.3.
Variant type: single nucleotide variant.
Coding change: c.1805G>A on transcript NM_003640.5 (MANE Select); coding-DNA position 1805, G replaced by A.
Protein change: p.Arg602Gln; replaces arginine 602 with glutamine.
Molecular consequence: missense variant.
Genome position (GRCh38, 1-based): chr9:108,902,888, C>T on the plus strand (G>A on the coding strand, the complement: ELP1 is on the minus strand). VCF-style: chr9-108902888-C-T. GRCh37 (hg19) VCF-style: chr9-111665168-C-T.
Other names: c.1463G>A, p.Arg488Gln (NM_001318360.2); c.758G>A, p.Arg253Gln (NM_001330749.2); c.1805G>A (NM_003640.3); short protein forms R253Q, R488Q, R602Q.
Identifiers: ClinVar variation 1003324 (VCV001003324.8), dbSNP rs369627815, ClinGen allele CA5174893.

ClinVar aggregate classification (germline): Uncertain significance. Review status: criteria provided, multiple submitters, no conflicts (2 of 4 stars). 5 submissions from 5 submitters: Uncertain significance (4). 1 of the submissions does not count toward it. Last evaluated 2025-07-24.

Conditions:
Familial dysautonomia. Also called: HSAN III; FD. Identifiers: Orphanet 1764, MedGen C0013364, MONDO:0009131, OMIM 223900. Disease mechanism: loss of function.
Medulloblastoma (MDB). Also called: MEDULLOBLASTOMA PREDISPOSITION SYNDROME; Medulloblastoma, somatic. Identifiers: Orphanet 616, MedGen C0025149, MeSH D008527, MONDO:0007959, OMIM 155255, HP:0002885.

Allele frequency attached by ClinVar (database versions not stated): TOPMed 0.00004; ExAC 0.00007; ESP Exome Variant Server 0.00015; gnomAD 0.00003 and 0.00004.
gnomAD v4.1: 77 of 1,613,840 alleles (0.0048%); highest among the groups gnomAD compares: East Asian, 0.018%; no homozygotes.

Submissions (5):

GeneDx
Classification: Uncertain significance. Last evaluated: 2025-07-24. Review status: criteria provided, single submitter. Criteria: GeneDx Variant Classification Process June 2021. Collection method: clinical testing. Allele origin: germline.
Comment: In silico analysis suggests that this missense variant does not alter protein structure/function; Has not been previously published as pathogenic or benign to our knowledge

Labcorp Genetics (formerly Invitae), Labcorp
Classification: Uncertain significance. Last evaluated: 2022-08-05. Review status: criteria provided, single submitter. Criteria: Invitae Variant Classification Sherloc (09022015). Collection method: clinical testing. Allele origin: germline.
Comment: This sequence change replaces arginine, which is basic and polar, with glutamine, which is neutral and polar, at codon 602 of the ELP1 protein (p.Arg602Gln). This variant is present in population databases (rs369627815, gnomAD 0.02%). This variant has not been reported in the literature in individuals affected with ELP1-related conditions. ClinVar contains an entry for this variant (Variation ID: 1003324). Algorithms developed to predict the effect of missense changes on protein structure and function output the following: SIFT: "Tolerated"; PolyPhen-2: "Benign"; Align-GVGD: "Class C0". The glutamine amino acid residue is found in multiple mammalian species, which suggests that this missense change does not adversely affect protein function. Algorithms developed to predict the effect of sequence changes on RNA splicing suggest that this variant may create or strengthen a splice site. In summary, the available evidence is currently insufficient to determine the role of this variant in disease. Therefore, it has been classified as a Variant of Uncertain Significance.

Fulgent Genetics
Classification: Uncertain significance for Medulloblastoma; Familial dysautonomia. Last evaluated: 2021-07-02. Review status: criteria provided, single submitter. Criteria: ACMG Guidelines, 2015. Collection method: clinical testing. Allele origin: unknown.

Ambry Genetics
Classification: Uncertain significance. Last evaluated: 2019-11-15. Review status: criteria provided, single submitter. Criteria: Ambry Variant Classification Scheme 2023. Collection method: clinical testing. Allele origin: germline.
Comment: The p.R602Q variant (also known as c.1805G>A), located in coding exon 15 of the IKBKAP gene, results from a G to A substitution at nucleotide position 1805. The arginine at codon 602 is replaced by glutamine, an amino acid with highly similar properties. This amino acid position is poorly conserved in available vertebrate species. In addition, this alteration is predicted to be tolerated by in silico analysis. Since supporting evidence is limited at this time, the clinical significance of this alteration remains unclear.

Natera, Inc.
Classification: Uncertain significance for Familial dysautonomia. Last evaluated: 2020-05-21. Review status: no assertion criteria provided. Collection method: clinical testing. Allele origin: germline. Not counted in ClinVar's aggregate classification.